The following is an entry in ClinVar:

NM_000352.6(ABCC8):c.3753+7G>A

Gene: ABCC8 (ATP binding cassette subfamily C member 8; minus strand). Cytogenetic location: 11p15.1.
Variant type: single nucleotide variant.
Coding change: c.3753+7G>A on transcript NM_000352.6 (MANE Select); 7 bases into the intron after coding-DNA position 3753, G replaced by A.
Molecular consequence: intron variant.
Genome position (GRCh38, 1-based): chr11:17,398,332, C>T on the plus strand (G>A on the coding strand, the complement: ABCC8 is on the minus strand). VCF-style: chr11-17398332-C-T. GRCh37 (hg19) VCF-style: chr11-17419879-C-T.
Other names: c.3750+7G>A (NM_001351297.2); c.3753+7G>A (NM_001351296.2); c.3819+7G>A (NM_001351295.2); c.3756+7G>A (NM_001287174.3).
Identifiers: ClinVar variation 4996371 (VCV004996371.1).

ClinVar aggregate classification (germline): Uncertain significance (1 of 4 stars; one submission).

Conditions:
ABCC8-related disorder.

Submission:

PreventionGenetics, part of Exact Sciences
Classification: Uncertain significance for ABCC8-related condition. Last evaluated: 2026-06-07. Review status: criteria provided, single submitter. Criteria: ACMG Guidelines, 2015. Collection method: clinical testing. Allele origin: germline.
Comment: The ABCC8 c.3753+7G>A variant is predicted to interfere with splicing. To our knowledge, this variant has not been reported in the literature or in a large population database (gnomAD), indicating this variant is rare. At this time, the clinical significance of this variant is uncertain due to the absence of conclusive functional and genetic evidence.